The following is an entry in ClinVar:

ClinVar aggregate classification (germline): Likely benign (1 of 4 stars; one submission).

Submission:

CeGaT Center for Human Genetics Tuebingen
Classification: Likely benign. Last evaluated: 2025-08-01. Review status: criteria provided, single submitter. Criteria: CeGaT Center For Human Genetics Tuebingen Variant Classification Criteria Version 2. Collection method: clinical testing. Allele origin: germline. Affected: yes. Observed: 1 variant allele.
Comment: NF1: PM2:Supporting, BP4, BP7

NM_001042492.3(NF1):c.3894A>G (p.Gln1298=)

Gene: NF1 (neurofibromin 1; plus strand). Cytogenetic location: 17q11.2.
Variant type: single nucleotide variant.
Coding change: c.3894A>G on transcript NM_001042492.3 (MANE Select); coding-DNA position 3894, A replaced by G.
Protein change: p.Gln1298=; no amino-acid change (glutamine 1298 retained).
Molecular consequence: synonymous variant.
Genome position (GRCh38, 1-based): chr17:31,235,941, A>G. VCF-style: chr17-31235941-A-G. GRCh37 (hg19) VCF-style: chr17-29562959-A-G.
Other names: c.3894A>G, p.Gln1298= (NM_000267.4).
Identifiers: ClinVar variation 4084244 (VCV004084244.8).